The following is an entry in ClinVar:

ClinVar aggregate classification (germline): Uncertain significance (1 of 4 stars; one submission).

Conditions:
Cardiovascular phenotype. Identifiers: MedGen CN230736.

gnomAD v4.1: 1 of 1,613,760 alleles (0.000062%); no homozygotes.

Submission:

Ambry Genetics
Classification: Uncertain significance for Cardiovascular phenotype. Last evaluated: 2024-05-10. Review status: criteria provided, single submitter. Criteria: Ambry Variant Classification Scheme 2023. Collection method: clinical testing. Allele origin: germline.
Comment: The p.P2333A variant (also known as c.6997C>G), located in coding exon 46 of the RYR2 gene, results from a C to G substitution at nucleotide position 6997. The proline at codon 2333 is replaced by alanine, an amino acid with highly similar properties. This amino acid position is highly conserved in available vertebrate species. In addition, this alteration is predicted to be deleterious by in silico analysis. Based on the available evidence, the clinical significance of this variant remains unclear.

NM_001035.3(RYR2):c.6997C>G (p.Pro2333Ala)

Gene: RYR2 (ryanodine receptor 2; plus strand). Cytogenetic location: 1q43.
Variant type: single nucleotide variant.
Coding change: c.6997C>G on transcript NM_001035.3 (MANE Select); coding-DNA position 6997, C replaced by G.
Protein change: p.Pro2333Ala; replaces proline 2333 with alanine.
Molecular consequence: missense variant.
Genome position (GRCh38, 1-based): chr1:237,639,083, C>G. VCF-style: chr1-237639083-C-G. GRCh37 (hg19) VCF-style: chr1-237802383-C-G.
Other names: short protein forms P2333A.
Identifiers: ClinVar variation 3315892 (VCV003315892.1).